The following is an entry in ClinVar:

ClinVar aggregate classification (germline): Uncertain significance. Review status: criteria provided, multiple submitters, no conflicts (2 of 4 stars). 2 submissions from 2 submitters: Uncertain significance (2). Last evaluated 2024-04-29.

gnomAD v4.1: 3 of 1,614,010 alleles (0.00019%); highest among the groups gnomAD compares: Admixed American, 0.0017%; no homozygotes.

Submissions (2):

GeneDx
Classification: Uncertain significance. Last evaluated: 2024-04-29. Review status: criteria provided, single submitter. Criteria: GeneDx Variant Classification Process June 2021. Collection method: clinical testing. Allele origin: germline. Affected: yes.
Comment: Not observed at significant frequency in large population cohorts (gnomAD); In silico analysis supports that this missense variant has a deleterious effect on protein structure/function; Has not been previously published as pathogenic or benign to our knowledge

Labcorp Genetics (formerly Invitae), Labcorp
Classification: Uncertain significance. Last evaluated: 2024-03-19. Review status: criteria provided, single submitter. Criteria: Invitae Variant Classification Sherloc (09022015). Collection method: clinical testing. Allele origin: germline.
Comment: This sequence change replaces glycine, which is neutral and non-polar, with valine, which is neutral and non-polar, at codon 159 of the RGR protein (p.Gly159Val). This variant is not present in population databases (gnomAD no frequency). This variant has not been reported in the literature in individuals affected with RGR-related conditions. Experimental studies and prediction algorithms are not available or were not evaluated, and the functional significance of this variant is currently unknown. In summary, the available evidence is currently insufficient to determine the role of this variant in disease. Therefore, it has been classified as a Variant of Uncertain Significance.

NM_001012720.2(RGR):c.476G>T (p.Gly159Val)

Gene: RGR (retinal G protein coupled receptor; plus strand). Cytogenetic location: 10q23.1.
Variant type: single nucleotide variant.
Coding change: c.476G>T on transcript NM_001012720.2 (MANE Select); coding-DNA position 476, G replaced by T.
Protein change: p.Gly159Val; replaces glycine 159 with valine.
Molecular consequence: missense variant.
Genome position (GRCh38, 1-based): chr10:84,252,974, G>T. VCF-style: chr10-84252974-G-T. GRCh37 (hg19) VCF-style: chr10-86012730-G-T.
Other names: c.476G>T, p.Gly159Val (NM_001012722.2); c.488G>T, p.Gly163Val (NM_002921.4); short protein forms G159V, G163V.
Identifiers: ClinVar variation 3372738 (VCV003372738.3).